The following is an entry in ClinVar:

NM_001300905.2(BAZ2A):c.5613C>T (p.Asn1871=)

Gene: BAZ2A (bromodomain adjacent to zinc finger domain 2A; minus strand). Cytogenetic location: 12q13.3.
Variant type: single nucleotide variant.
Coding change: c.5613C>T on transcript NM_001300905.2 (MANE Select); coding-DNA position 5613, C replaced by T.
Protein change: p.Asn1871=; no amino-acid change (asparagine 1871 retained).
Molecular consequence: synonymous variant.
Genome position (GRCh38, 1-based): chr12:56,598,717, G>A on the plus strand (C>T on the coding strand, the complement: BAZ2A is on the minus strand). VCF-style: chr12-56598717-G-A. GRCh37 (hg19) VCF-style: chr12-56992501-G-A.
Other names: c.5523C>T, p.Asn1841= (NM_001351156.2); c.5619C>T, p.Asn1873= (NM_013449.4).
Identifiers: ClinVar variation 2643098 (VCV002643098.24), dbSNP rs151110106, ClinGen allele CA6633929.

ClinVar aggregate classification (germline): Likely benign (1 of 4 stars; one submission).

Allele frequency attached by ClinVar (database versions not stated): 1000 Genomes Project 0.00200; 1000 Genomes Project 30x 0.00219; TOPMed 0.00439; ESP Exome Variant Server 0.00466; gnomAD 0.00570; ExAC 0.00586; gnomAD exomes 0.00686.
gnomAD v4.1: 10,808 of 1,613,552 alleles (0.67%); highest among the groups gnomAD compares: Middle Eastern, 0.87%; 52 homozygotes.

Submission:

CeGaT Center for Human Genetics Tuebingen
Classification: Likely benign. Last evaluated: 2022-11-01. Review status: criteria provided, single submitter. Criteria: CeGaT Center For Human Genetics Tuebingen Variant Classification Criteria Version 2. Collection method: clinical testing. Allele origin: germline. Affected: yes. Observed: 1 variant allele.
Comment: BAZ2A: BP4, BP7, BS2